The following is an entry in ClinVar:

ClinVar aggregate classification (germline): Uncertain significance (1 of 4 stars; one submission).

Conditions:
Dilated cardiomyopathy 1DD (CMD1DD). Identifiers: Orphanet 154, MedGen C2750995, MONDO:0013168, OMIM 613172.

gnomAD v4.1: 2 of 1,525,698 alleles (0.00013%); highest among the groups gnomAD compares: South Asian, 0.0012%; no homozygotes.

Submission:

Labcorp Genetics (formerly Invitae), Labcorp
Classification: Uncertain significance for Dilated cardiomyopathy 1DD. Last evaluated: 2024-02-03. Review status: criteria provided, single submitter. Criteria: Invitae Variant Classification Sherloc (09022015). Collection method: clinical testing. Allele origin: germline.
Comment: This sequence change replaces proline, which is neutral and non-polar, with leucine, which is neutral and non-polar, at codon 16 of the RBM20 protein (p.Pro16Leu). This variant is not present in population databases (gnomAD no frequency). This variant has not been reported in the literature in individuals affected with RBM20-related conditions. Advanced modeling of protein sequence and biophysical properties (such as structural, functional, and spatial information, amino acid conservation, physicochemical variation, residue mobility, and thermodynamic stability) performed at Invitae indicates that this missense variant is not expected to disrupt RBM20 protein function with a negative predictive value of 95%. In summary, the available evidence is currently insufficient to determine the role of this variant in disease. Therefore, it has been classified as a Variant of Uncertain Significance.

NM_001134363.3(RBM20):c.47C>T (p.Pro16Leu)

Gene: RBM20 (RNA binding motif protein 20; plus strand). Cytogenetic location: 10q25.2.
Variant type: single nucleotide variant.
Coding change: c.47C>T on transcript NM_001134363.3 (MANE Select); coding-DNA position 47, C replaced by T.
Protein change: p.Pro16Leu; replaces proline 16 with leucine.
Molecular consequence: missense variant.
Genome position (GRCh38, 1-based): chr10:110,644,501, C>T. VCF-style: chr10-110644501-C-T. GRCh37 (hg19) VCF-style: chr10-112404259-C-T.
Other names: short protein forms P16L.
Identifiers: ClinVar variation 3674138 (VCV003674138.2).